The following is an entry in ClinVar:

NM_000256.3(MYBPC3):c.1306T>C (p.Cys436Arg)

Gene: MYBPC3 (myosin binding protein C3; minus strand). Cytogenetic location: 11p11.2.
Variant type: single nucleotide variant.
Coding change: c.1306T>C on transcript NM_000256.3 (MANE Select); coding-DNA position 1306, T replaced by C.
Protein change: p.Cys436Arg; replaces cysteine 436 with arginine.
Molecular consequence: missense variant.
Genome position (GRCh38, 1-based): chr11:47,343,066, A>G on the plus strand (T>C on the coding strand, the complement: MYBPC3 is on the minus strand). VCF-style: chr11-47343066-A-G. GRCh37 (hg19) VCF-style: chr11-47364617-A-G.
Other names: short protein forms C436R.
Identifiers: ClinVar variation 3387132 (VCV003387132.2).

ClinVar aggregate classification (germline): Uncertain significance. Review status: criteria provided, multiple submitters, no conflicts (2 of 4 stars). 2 submissions from 2 submitters: Uncertain significance (2). Last evaluated 2024-03-24.

Conditions:
Hypertrophic cardiomyopathy. Also called: HYPERTROPHIC MYOCARDIOPATHY. Identifiers: Orphanet 217569, MedGen C0007194, MeSH D002312, MONDO:0005045, HP:0001639.

Submissions (2):

All of Us Research Program, National Institutes of Health
Classification: Uncertain significance for Hypertrophic cardiomyopathy. Last evaluated: 2024-03-24. Review status: criteria provided, single submitter. Criteria: ACMG Guidelines, 2015. Collection method: clinical testing. Allele origin: germline. Inheritance: Autosomal dominant inheritance. Observed: 1 variant allele, 1 heterozygote.
Comment: This missense variant replaces cysteine with arginine at codon 436 of the MYBPC3 protein. Computational prediction suggests that this variant may have deleterious impact on protein structure and function (internally defined REVEL score threshold >= 0.7, PMID: 27666373). To our knowledge, functional studies have not been reported for this variant. This variant has not been reported in individuals affected with MYBPC3-related disorders in the literature. This variant has not been identified in the general population by the Genome Aggregation Database (gnomAD). The available evidence is insufficient to determine the role of this variant in disease conclusively. Therefore, this variant is classified as a Variant of Uncertain Significance.

This study involves interpretation of variants in research participants for the purpose of population health screening. Participant phenotype was not available at the time of variant classification. Additional details can be found in publication PMID: 35346344, PMCID: PMC8962531

Blueprint Genetics
Classification: Uncertain significance. Last evaluated: 2020-04-03. Review status: criteria provided, single submitter. Criteria: ACMG Guidelines, 2015. Collection method: clinical testing. Allele origin: germline.